The following is an entry in ClinVar:

NM_001267550.2(TTN):c.57301A>T (p.Arg19101Ter)

Genes: TTN (titin; minus strand), TTN-AS1 (TTN antisense RNA 1; plus strand). Cytogenetic location: 2q31.2.
Variant type: single nucleotide variant.
Coding change: c.57301A>T on transcript NM_001267550.2 (MANE Select); coding-DNA position 57301, A replaced by T.
Protein change: p.Arg19101Ter; replaces arginine 19101 with a stop codon.
Molecular consequence: nonsense.
Genome position (GRCh38, 1-based): chr2:178,597,781, T>A on the plus strand (A>T on the coding strand, the complement: TTN is on the minus strand). VCF-style: chr2-178597781-T-A. GRCh37 (hg19) VCF-style: chr2-179462508-T-A.
Other names: c.52378A>T, p.Arg17460Ter (NM_001256850.1); c.30106A>T, p.Arg10036Ter (NM_003319.4); c.49597A>T, p.Arg16533Ter (NM_133378.4); c.30481A>T, p.Arg10161Ter (NM_133432.3); c.30682A>T, p.Arg10228Ter (NM_133437.4); short protein forms R10036*, R10161*, R10228*, R16533*, R17460*, R19101*.
Identifiers: ClinVar variation 3755892 (VCV003755892.2).

ClinVar aggregate classification (germline): Likely pathogenic (1 of 4 stars; one submission).

Conditions:
Dilated cardiomyopathy 1G (CMD1G). Identifiers: Orphanet 154, MedGen C1858763, MONDO:0011400, OMIM 604145.
Autosomal recessive limb-girdle muscular dystrophy type 2J (LGMDR10). Also called: Limb-girdle muscular dystrophy, type 2J; MUSCULAR DYSTROPHY, LIMB-GIRDLE, AUTOSOMAL RECESSIVE 10. Identifiers: Orphanet 140922, MedGen C1837342, MONDO:0012127, OMIM 608807.

Submission:

Labcorp Genetics (formerly Invitae), Labcorp
Classification: Likely pathogenic for Dilated cardiomyopathy 1G; Autosomal recessive limb-girdle muscular dystrophy type 2J. Last evaluated: 2024-04-16. Review status: criteria provided, single submitter. Criteria: Invitae Variant Classification Sherloc (09022015). Collection method: clinical testing. Allele origin: germline.
Comment: This sequence change creates a premature translational stop signal (p.Arg19101*) in the TTN gene. While this is not anticipated to result in nonsense mediated decay, it is expected to create a truncated TTN protein. This variant is not present in population databases (gnomAD no frequency). This variant has not been reported in the literature in individuals affected with TTN-related conditions. This variant is located in the A band of TTN (PMID: 25589632). Truncating variants in this region are significantly overrepresented in patients affected with dilated cardiomyopathy (PMID: 25589632). Truncating variants in this region have also been reported in individuals affected with autosomal recessive centronuclear myopathy (PMID: 23975875). In summary, the currently available evidence indicates that the variant is pathogenic, but additional data are needed to prove that conclusively. Therefore, this variant has been classified as Likely Pathogenic.

Literature cited by the submitters: PubMed 25589632; PubMed 23975875.